The following is an entry in ClinVar:

ClinVar aggregate classification (germline): Uncertain significance. Review status: criteria provided, multiple submitters, no conflicts (2 of 4 stars). 3 submissions from 3 submitters: Uncertain significance (3). Last evaluated 2026-01-19.

Conditions:
LZTR1-related schwannomatosis. Also called: Schwannomatosis 2; Schwannomatosis-2, susceptibility to. Identifiers: Orphanet 93921, MedGen C3810283, MONDO:0014299, OMIM 615670.
Noonan syndrome 2 (NS2). Identifiers: Orphanet 648, MedGen C1854469, MONDO:0011531, OMIM 605275.
Noonan syndrome 10 (NS10). Identifiers: Orphanet 648, MedGen C4225280, MONDO:0014693, OMIM 616564.

Allele frequency attached by ClinVar (database versions not stated): TOPMed below 0.00001; gnomAD exomes below 0.00001.
gnomAD v4.1: 2 of 1,613,390 alleles (0.00012%); highest among the groups gnomAD compares: Non-Finnish European, 0.00017%; no homozygotes.

Submissions (3):

Labcorp Genetics (formerly Invitae), Labcorp
Classification: Uncertain significance. Last evaluated: 2026-01-19. Review status: criteria provided, single submitter. Criteria: Invitae Variant Classification Sherloc (09022015). Collection method: clinical testing. Allele origin: germline.
Comment: This sequence change replaces glutamic acid, which is acidic and polar, with lysine, which is basic and polar, at codon 616 of the LZTR1 protein (p.Glu616Lys). This variant is not present in population databases (gnomAD no frequency). This variant has not been reported in the literature in individuals affected with LZTR1-related conditions. ClinVar contains an entry for this variant (Variation ID: 2676401). Invitae Evidence Modeling of protein sequence and biophysical properties (such as structural, functional, and spatial information, amino acid conservation, physicochemical variation, residue mobility, and thermodynamic stability) indicates that this missense variant is not expected to disrupt LZTR1 protein function with a negative predictive value of 80%. In summary, the available evidence is currently insufficient to determine the role of this variant in disease. Therefore, it has been classified as a Variant of Uncertain Significance.

Fulgent Genetics
Classification: Uncertain significance for Noonan syndrome 2; LZTR1-related schwannomatosis; Noonan syndrome 10. Last evaluated: 2023-12-28. Review status: criteria provided, single submitter. Criteria: ACMG Guidelines, 2015. Collection method: clinical testing. Allele origin: germline.

Baylor Genetics
Classification: Uncertain significance for LZTR1-related schwannomatosis. Last evaluated: 2023-07-27. Review status: criteria provided, single submitter. Criteria: ACMG Guidelines, 2015. Collection method: clinical testing. Allele origin: unknown.

NM_006767.4(LZTR1):c.1846G>A (p.Glu616Lys)

Gene: LZTR1 (leucine zipper like post translational regulator 1; plus strand). Cytogenetic location: 22q11.21.
Variant type: single nucleotide variant.
Coding change: c.1846G>A on transcript NM_006767.4 (MANE Select); coding-DNA position 1846, G replaced by A.
Protein change: p.Glu616Lys; replaces glutamic acid 616 with lysine.
Molecular consequence: missense variant.
Genome position (GRCh38, 1-based): chr22:20,994,930, G>A. VCF-style: chr22-20994930-G-A. GRCh37 (hg19) VCF-style: chr22-21349219-G-A.
Other names: short protein forms E616K.
Identifiers: ClinVar variation 2676401 (VCV002676401.3), dbSNP rs1924773761, ClinGen allele CA410778584.